The following is an entry in ClinVar:

ClinVar aggregate classification (germline): Uncertain significance. Review status: criteria provided, multiple submitters, no conflicts (2 of 4 stars). 2 submissions from 2 submitters: Uncertain significance (2). Last evaluated 2026-04-30.

Conditions:
Inborn genetic diseases. Identifiers: MedGen C0950123, MeSH D030342.
TG-related disorder. Also called: TG-related condition; TG-related disorders.

Allele frequency attached by ClinVar (database versions not stated): ExAC 0.00001.
gnomAD v4.1: 3 of 1,614,192 alleles (0.00019%); highest among the groups gnomAD compares: East Asian, 0.0022%; no homozygotes.

Submissions (2):

Ambry Genetics
Classification: Uncertain significance for Inborn genetic diseases. Last evaluated: 2026-04-30. Review status: criteria provided, single submitter. Criteria: Ambry Variant Classification Scheme 2023. Collection method: clinical testing. Allele origin: germline.

PreventionGenetics, part of Exact Sciences
Classification: Uncertain significance for TG-related condition. Last evaluated: 2022-10-07. Review status: criteria provided, single submitter. Criteria: ACMG Guidelines, 2015. Collection method: clinical testing. Allele origin: germline.
Comment: The TG c.1205C>G variant is predicted to result in the amino acid substitution p.Ala402Gly. To our knowledge, this variant has not been reported in the literature. This variant is reported in 0.0054% of alleles in individuals of East Asian descent in gnomAD. At this time, the clinical significance of this variant is uncertain due to the absence of conclusive functional and genetic evidence.

NM_003235.5(TG):c.1205C>G (p.Ala402Gly)

Gene: TG (thyroglobulin; plus strand). Cytogenetic location: 8q24.22.
Variant type: single nucleotide variant.
Coding change: c.1205C>G on transcript NM_003235.5 (MANE Select); coding-DNA position 1205, C replaced by G.
Protein change: p.Ala402Gly; replaces alanine 402 with glycine.
Molecular consequence: missense variant.
Genome position (GRCh38, 1-based): chr8:132,886,577, C>G. VCF-style: chr8-132886577-C-G. GRCh37 (hg19) VCF-style: chr8-133898822-C-G.
Other names: short protein forms A402G.
Identifiers: ClinVar variation 2628826 (VCV002628826.2), dbSNP rs373267875, ClinGen allele CA4883145.
Genomic context (GRCh38, chr8:132,886,577, plus strand): 5'-ACTTCAGCCAGCACGACCTGTTCTCTTCCCCAGAGAAAAGATGGGCCTCTCCAAGAGTAG[C>G]CAGATTTGCCACATCCTGCCCACCCACGATCAAGGAGCTCTTTGTGGACTCTGGGCTTCT-3'
Protein context (NP_003226.4, residues 392-412): PEKRWASPRV[Ala402Gly]RFATSCPPTI